The following is an entry in ClinVar:

NM_003906.5(MCM3AP):c.3773G>A (p.Arg1258His)

Gene: MCM3AP (minichromosome maintenance complex component 3 associated protein; minus strand). Cytogenetic location: 21q22.3.
Variant type: single nucleotide variant.
Coding change: c.3773G>A on transcript NM_003906.5 (MANE Select); coding-DNA position 3773, G replaced by A.
Protein change: p.Arg1258His; replaces arginine 1258 with histidine.
Molecular consequence: missense variant.
Genome position (GRCh38, 1-based): chr21:46,256,948, C>T on the plus strand (G>A on the coding strand, the complement: MCM3AP is on the minus strand). VCF-style: chr21-46256948-C-T. GRCh37 (hg19) VCF-style: chr21-47676862-C-T.
Other names: c.3773G>A (NM_003906.3); short protein forms R1258H.
Identifiers: ClinVar variation 1480782 (VCV001480782.9), dbSNP rs372593235, ClinGen allele CA10076375.

ClinVar aggregate classification (germline): Uncertain significance. Review status: criteria provided, multiple submitters, no conflicts (2 of 4 stars). 2 submissions from 2 submitters: Uncertain significance (2). Last evaluated 2024-09-26.

Conditions:
Inborn genetic diseases. Identifiers: MedGen C0950123, MeSH D030342.

Allele frequency attached by ClinVar (database versions not stated): TOPMed 0.00002; gnomAD exomes 0.00003 and 0.00005; ExAC 0.00007; ESP Exome Variant Server 0.00008.
gnomAD v4.1: 49 of 1,612,448 alleles (0.003%); highest among the groups gnomAD compares: East Asian, 0.0089%; no homozygotes.

Submissions (2):

Ambry Genetics
Classification: Uncertain significance for Inborn genetic diseases. Last evaluated: 2024-09-26. Review status: criteria provided, single submitter. Criteria: Ambry Variant Classification Scheme 2023. Collection method: clinical testing. Allele origin: germline.

Labcorp Genetics (formerly Invitae), Labcorp
Classification: Uncertain significance. Last evaluated: 2022-07-04. Review status: criteria provided, single submitter. Criteria: Invitae Variant Classification Sherloc (09022015). Collection method: clinical testing. Allele origin: germline.
Comment: In summary, the available evidence is currently insufficient to determine the role of this variant in disease. Therefore, it has been classified as a Variant of Uncertain Significance. Algorithms developed to predict the effect of missense changes on protein structure and function are either unavailable or do not agree on the potential impact of this missense change (SIFT: "Tolerated"; PolyPhen-2: "Probably Damaging"; Align-GVGD: "Class C0"). ClinVar contains an entry for this variant (Variation ID: 1480782). This variant has not been reported in the literature in individuals affected with MCM3AP-related conditions. This variant is present in population databases (rs372593235, gnomAD 0.02%). This sequence change replaces arginine, which is basic and polar, with histidine, which is basic and polar, at codon 1258 of the MCM3AP protein (p.Arg1258His).